The following is an entry in ClinVar:

NM_001384732.1(CPLANE1):c.5729A>C (p.Asp1910Ala)

Gene: CPLANE1 (ciliogenesis and planar polarity effector complex subunit 1; minus strand). Cytogenetic location: 5p13.2.
Variant type: single nucleotide variant.
Coding change: c.5729A>C on transcript NM_001384732.1 (MANE Select); coding-DNA position 5729, A replaced by C.
Protein change: p.Asp1910Ala; replaces aspartic acid 1910 with alanine.
Molecular consequence: missense variant.
Genome position (GRCh38, 1-based): chr5:37,180,025, T>G on the plus strand (A>C on the coding strand, the complement: CPLANE1 is on the minus strand). VCF-style: chr5-37180025-T-G. GRCh37 (hg19) VCF-style: chr5-37180127-T-G.
Other names: c.5729A>C, p.Asp1910Ala (NM_023073.4); short protein forms D1910A.
Identifiers: ClinVar variation 1381743 (VCV001381743.5), dbSNP rs759558910, ClinGen allele CA3238474.

ClinVar aggregate classification (germline): Uncertain significance. Review status: criteria provided, multiple submitters, no conflicts (2 of 4 stars). 2 submissions from 2 submitters: Uncertain significance (2). Last evaluated 2024-04-08.

Conditions:
Joubert syndrome 17 (JBTS17). Identifiers: Orphanet 475, MedGen C3553264, MONDO:0013824, OMIM 614615.
Orofaciodigital syndrome type 6 (OFD6). Also called: OROFACIODIGITAL SYNDROME VI; OFDS VI; POLYDACTYLY, CLEFT LIP/PALATE OR LINGUAL LUMP, AND PSYCHOMOTOR RETARDATION; VARADI SYNDROME; VARADI-PAPP SYNDROME; Oral-facial-digital syndrome type 6. Identifiers: Orphanet 2754, MedGen C2745997, MONDO:0010176, OMIM 277170.

Allele frequency attached by ClinVar (database versions not stated): ExAC 0.00002; gnomAD exomes 0.00003 and 0.00014; TOPMed 0.00005; gnomAD 0.00006.
gnomAD v4.1: 192 of 1,545,458 alleles (0.012%); highest among the groups gnomAD compares: Non-Finnish European, 0.016%; no homozygotes.

Submissions (2):

Fulgent Genetics
Classification: Uncertain significance for Orofaciodigital syndrome type 6; Joubert syndrome 17. Last evaluated: 2024-04-08. Review status: criteria provided, single submitter. Criteria: ACMG Guidelines, 2015. Collection method: clinical testing. Allele origin: germline.

Labcorp Genetics (formerly Invitae), Labcorp
Classification: Uncertain significance. Last evaluated: 2022-10-04. Review status: criteria provided, single submitter. Criteria: Invitae Variant Classification Sherloc (09022015). Collection method: clinical testing. Allele origin: germline.
Comment: This sequence change replaces aspartic acid, which is acidic and polar, with alanine, which is neutral and non-polar, at codon 1910 of the CPLANE1 protein (p.Asp1910Ala). This variant is present in population databases (rs759558910, gnomAD 0.006%). This variant has not been reported in the literature in individuals affected with CPLANE1-related conditions. ClinVar contains an entry for this variant (Variation ID: 1381743). Advanced modeling of protein sequence and biophysical properties (such as structural, functional, and spatial information, amino acid conservation, physicochemical variation, residue mobility, and thermodynamic stability) performed at Invitae indicates that this missense variant is not expected to disrupt CPLANE1 protein function. In summary, the available evidence is currently insufficient to determine the role of this variant in disease. Therefore, it has been classified as a Variant of Uncertain Significance.